The following is an entry in ClinVar:

ClinVar aggregate classification (germline): Uncertain significance (1 of 4 stars; one submission).

Submission:

Labcorp Genetics (formerly Invitae), Labcorp
Classification: Uncertain significance. Last evaluated: 2023-10-04. Review status: criteria provided, single submitter. Criteria: Invitae Variant Classification Sherloc (09022015). Collection method: clinical testing. Allele origin: germline.
Comment: This sequence change replaces valine, which is neutral and non-polar, with methionine, which is neutral and non-polar, at codon 76 of the ICOSLG protein (p.Val76Met). This variant is not present in population databases (gnomAD no frequency). This variant has not been reported in the literature in individuals affected with ICOSLG-related conditions. An algorithm developed to predict the effect of missense changes on protein structure and function (PolyPhen-2) suggests that this variant is likely to be disruptive. In summary, the available evidence is currently insufficient to determine the role of this variant in disease. Therefore, it has been classified as a Variant of Uncertain Significance.

NM_015259.6(ICOSLG):c.226G>A (p.Val76Met)

Gene: ICOSLG (inducible T cell costimulator ligand; minus strand). Cytogenetic location: 21q22.3.
Variant type: single nucleotide variant.
Coding change: c.226G>A on transcript NM_015259.6 (MANE Select); coding-DNA position 226, G replaced by A.
Protein change: p.Val76Met; replaces valine 76 with methionine.
Molecular consequence: missense variant. On other transcripts: 5 prime UTR variant (1), intron variant (1).
Genome position (GRCh38, 1-based): chr21:44,237,047, C>T on the plus strand (G>A on the coding strand, the complement: ICOSLG is on the minus strand). VCF-style: chr21-44237047-C-T. GRCh37 (hg19) VCF-style: chr21-45656930-C-T.
Other names: c.226G>A, p.Val76Met (NM_001283050.2, NM_001395918.1); c.-30G>A (NM_001283052.2); c.145G>A, p.Val49Met (NM_001365759.2); c.55+1401G>A (NM_001283051.2); short protein forms V49M, V76M.
Identifiers: ClinVar variation 2956592 (VCV002956592.3), dbSNP rs2517847967, ClinGen allele CA410616322.